The following is an entry in ClinVar:

NM_005732.4(RAD50):c.1226A>G (p.Lys409Arg)

Gene: RAD50 (RAD50 double strand break repair protein; plus strand). Cytogenetic location: 5q31.1.
Variant type: single nucleotide variant.
Coding change: c.1226A>G on transcript NM_005732.4 (MANE Select); coding-DNA position 1226, A replaced by G.
Protein change: p.Lys409Arg; replaces lysine 409 with arginine.
Molecular consequence: missense variant.
Genome position (GRCh38, 1-based): chr5:132,588,861, A>G. VCF-style: chr5-132588861-A-G. GRCh37 (hg19) VCF-style: chr5-131924553-A-G.
Other names: short protein forms K409R.
Identifiers: ClinVar variation 2751806 (VCV002751806.3), dbSNP rs2479634978, ClinGen allele CA360943013.

ClinVar aggregate classification (germline): Uncertain significance (1 of 4 stars; one submission).

Conditions:
Hereditary cancer-predisposing syndrome. Also called: Neoplastic Syndromes, Hereditary; Hereditary Cancer Syndrome; Tumor predisposition; Hereditary neoplastic syndrome. Identifiers: Orphanet 140162, MedGen C0027672, MeSH D009386, MONDO:0015356.

Submission:

Labcorp Genetics (formerly Invitae), Labcorp
Classification: Uncertain significance for Hereditary cancer-predisposing syndrome. Last evaluated: 2023-08-11. Review status: criteria provided, single submitter. Criteria: Invitae Variant Classification Sherloc (09022015). Collection method: clinical testing. Allele origin: germline.
Comment: In summary, the available evidence is currently insufficient to determine the role of this variant in disease. Therefore, it has been classified as a Variant of Uncertain Significance. Advanced modeling of protein sequence and biophysical properties (such as structural, functional, and spatial information, amino acid conservation, physicochemical variation, residue mobility, and thermodynamic stability) performed at Invitae indicates that this missense variant is not expected to disrupt RAD50 protein function. This variant has not been reported in the literature in individuals affected with RAD50-related conditions. This variant is not present in population databases (gnomAD no frequency). This sequence change replaces lysine, which is basic and polar, with arginine, which is basic and polar, at codon 409 of the RAD50 protein (p.Lys409Arg).